The following is an entry in ClinVar:

ClinVar aggregate classification (germline): Likely pathogenic (1 of 4 stars; one submission).

Conditions:
GLA-related disorder. Also called: GLA-related condition.

Submission:

PreventionGenetics, part of Exact Sciences
Classification: Likely pathogenic for GLA-related condition. Last evaluated: 2026-05-05. Review status: criteria provided, single submitter. Criteria: ACMG Guidelines, 2015. Collection method: clinical testing. Allele origin: germline.
Comment: The GLA c.107T>A variant is predicted to result in premature protein termination (p.Leu36*). To our knowledge, this variant has not been reported in the literature or in a large population database (gnomAD), indicating this variant is rare. Nonsense variants in GLA are expected to be pathogenic. This variant is interpreted as likely pathogenic.

NM_000169.3(GLA):c.107T>A (p.Leu36Ter)

Genes: GLA (galactosidase alpha; minus strand), RPL36A-HNRNPH2 (RPL36A-HNRNPH2 readthrough; plus strand). Cytogenetic location: Xq22.1.
Variant type: single nucleotide variant.
Coding change: c.107T>A on transcript NM_000169.3 (MANE Select); coding-DNA position 107, T replaced by A.
Protein change: p.Leu36Ter; replaces leucine 36 with a stop codon.
Molecular consequence: nonsense. On other transcripts: non-coding transcript variant (3), intron variant (2).
Genome position (GRCh38, 1-based): chrX:101,407,797, A>T on the plus strand (T>A on the coding strand, the complement: GLA is on the minus strand). VCF-style: chrX-101407797-A-T. GRCh37 (hg19) VCF-style: chrX-100662785-A-T.
Other names: c.107T>A, p.Leu36Ter (NM_001406747.1, NM_001406748.1, NM_001406749.1); c.301-4139A>T (NM_001199973.2); c.178-4139A>T (NM_001199974.2); short protein forms L36*.
Identifiers: ClinVar variation 4994571 (VCV004994571.1).
Genomic context (GRCh38, chrX:101,407,797, plus strand): 5'-CAGTCAAGGTTGCACATGAAGCGCTCCCAGTGCAGCCAGCCCATGGTAGGCGTCCTTGCC[A>T]ATCCATTGTCCAGTGCTCTAGCCCCAGGGATGTCCCAGGAAACGAGGGCCAGGAAGCGAA-3'